The following is an entry in ClinVar:

ClinVar aggregate classification (germline): Uncertain significance (1 of 4 stars; one submission).

gnomAD v4.1: 1 of 1,610,290 alleles (0.000062%); highest among the groups gnomAD compares: Non-Finnish European, 0.000085%; no homozygotes.

Submission:

Women's Health and Genetics/Laboratory Corporation of America, LabCorp
Classification: Uncertain significance. Last evaluated: 2026-05-26. Review status: criteria provided, single submitter. Criteria: LabCorp Variant Classification Summary - May 2015. Collection method: clinical testing. Allele origin: germline.
Comment: Variant summary: COL12A1 c.9068C>G (p.Pro3023Arg) results in a non-conservative amino acid change in the encoded protein sequence. Algorithms developed to predict the effect of missense changes on protein structure and function are either unavailable or do not agree on the potential impact of this missense change. The variant was absent in 275442 control chromosomes. The available data on variant occurrences in the general population are insufficient to allow any conclusion about variant significance. To our knowledge, no occurrence of c.9068C>G in individuals affected with COL12A1-related conditions and no experimental evidence demonstrating its impact on protein function have been reported. No submitters have cited clinical-significance assessments for this variant to ClinVar. Based on the evidence outlined above, the variant was classified as uncertain significance.

NM_004370.6(COL12A1):c.9068C>G (p.Pro3023Arg)

Gene: COL12A1 (collagen type XII alpha 1 chain; minus strand). Cytogenetic location: 6q13.
Variant type: single nucleotide variant.
Coding change: c.9068C>G on transcript NM_004370.6 (MANE Select); coding-DNA position 9068, C replaced by G.
Protein change: p.Pro3023Arg; replaces proline 3023 with arginine.
Molecular consequence: missense variant.
Genome position (GRCh38, 1-based): chr6:75,087,690, G>C on the plus strand (C>G on the coding strand, the complement: COL12A1 is on the minus strand). VCF-style: chr6-75087690-G-C. GRCh37 (hg19) VCF-style: chr6-75797406-G-C.
Other names: c.9068C>G, p.Pro3023Arg (NM_001424113.1); c.9047C>G, p.Pro3016Arg (NM_001424114.1); c.8795C>G, p.Pro2932Arg (NM_001424115.1); c.5576C>G, p.Pro1859Arg (NM_001424116.1, NM_080645.3); short protein forms P1859R, P2932R, P3016R, P3023R.
Identifiers: ClinVar variation 4853678 (VCV004853678.1).